The following is an entry in ClinVar:

NM_006445.4(PRPF8):c.76T>A (p.Ser26Thr)

Gene: PRPF8 (pre-mRNA processing factor 8; minus strand). Cytogenetic location: 17p13.3.
Variant type: single nucleotide variant.
Coding change: c.76T>A on transcript NM_006445.4 (MANE Select); coding-DNA position 76, T replaced by A.
Protein change: p.Ser26Thr; replaces serine 26 with threonine.
Molecular consequence: missense variant.
Genome position (GRCh38, 1-based): chr17:1,684,496, A>T on the plus strand (T>A on the coding strand, the complement: PRPF8 is on the minus strand). VCF-style: chr17-1684496-A-T. GRCh37 (hg19) VCF-style: chr17-1587790-A-T.
Other names: c.76T>A (NM_006445.3); short protein forms S26T.
Identifiers: ClinVar variation 1423236 (VCV001423236.9), dbSNP rs2151133732, ClinGen allele CA397572304.

ClinVar aggregate classification (germline): Uncertain significance. Review status: criteria provided, multiple submitters, no conflicts (2 of 4 stars). 2 submissions from 2 submitters: Uncertain significance (2). Last evaluated 2024-01-02.

Conditions:
Inborn genetic diseases. Identifiers: MedGen C0950123, MeSH D030342.

gnomAD v4.1: 3 of 1,612,610 alleles (0.00019%); highest among the groups gnomAD compares: Middle Eastern, 0.017%; no homozygotes.

Submissions (2):

Labcorp Genetics (formerly Invitae), Labcorp
Classification: Uncertain significance. Last evaluated: 2024-01-02. Review status: criteria provided, single submitter. Criteria: Invitae Variant Classification Sherloc (09022015). Collection method: clinical testing. Allele origin: germline.
Comment: This sequence change replaces serine, which is neutral and polar, with threonine, which is neutral and polar, at codon 26 of the PRPF8 protein (p.Ser26Thr). This variant is not present in population databases (gnomAD no frequency). This variant has not been reported in the literature in individuals affected with PRPF8-related conditions. ClinVar contains an entry for this variant (Variation ID: 1423236). Advanced modeling of protein sequence and biophysical properties (such as structural, functional, and spatial information, amino acid conservation, physicochemical variation, residue mobility, and thermodynamic stability) performed at Invitae indicates that this missense variant is not expected to disrupt PRPF8 protein function with a negative predictive value of 80%. In summary, the available evidence is currently insufficient to determine the role of this variant in disease. Therefore, it has been classified as a Variant of Uncertain Significance.

Ambry Genetics
Classification: Uncertain significance for Inborn genetic diseases. Last evaluated: 2022-06-03. Review status: criteria provided, single submitter. Criteria: Ambry Variant Classification Scheme 2023. Collection method: clinical testing. Allele origin: germline.